The following is an entry in ClinVar:

ClinVar aggregate classification (germline): Uncertain significance (1 of 4 stars; one submission).

Conditions:
Familial thoracic aortic aneurysm and aortic dissection (TAAD). Also called: Thoracic aortic aneurysms and dissections. Identifiers: Orphanet 91387, MedGen C4707243, MONDO:0019625.

Submission:

Color Diagnostics, LLC DBA Color Health
Classification: Uncertain significance for Familial thoracic aortic aneurysm and aortic dissection. Last evaluated: 2025-09-22. Review status: criteria provided, single submitter. Criteria: ACMG Guidelines, 2015. Collection method: clinical testing. Allele origin: germline.
Comment: This missense variant replaces asparagine with threonine at codon 867 of the FBN1 protein. Computational prediction suggests that this variant may have deleterious impact on protein structure and function. To our knowledge, functional studies have not been reported for this variant. This variant has not been reported in individuals affected with FBN1-related disorders in the literature. This variant has not been identified in the general population by the Genome Aggregation Database (gnomAD). The available evidence is insufficient to determine the role of this variant in disease conclusively. Therefore, this variant is classified as a Variant of Uncertain Significance.

NM_000138.5(FBN1):c.2600A>C (p.Asn867Thr)

Gene: FBN1 (fibrillin 1; minus strand). Cytogenetic location: 15q21.1.
Variant type: single nucleotide variant.
Coding change: c.2600A>C on transcript NM_000138.5 (MANE Select); coding-DNA position 2600, A replaced by C.
Protein change: p.Asn867Thr; replaces asparagine 867 with threonine.
Molecular consequence: missense variant.
Genome position (GRCh38, 1-based): chr15:48,495,200, T>G on the plus strand (A>C on the coding strand, the complement: FBN1 is on the minus strand). VCF-style: chr15-48495200-T-G. GRCh37 (hg19) VCF-style: chr15-48787397-T-G.
Other names: c.2600A>C, p.Asn867Thr (NM_001406716.1); short protein forms N867T.
Identifiers: ClinVar variation 4756594 (VCV004756594.1).